The following is an entry in ClinVar:

NM_004612.4(TGFBR1):c.1241G>A (p.Arg414Gln)

Gene: TGFBR1 (transforming growth factor beta receptor 1; plus strand). Cytogenetic location: 9q22.33.
Variant type: single nucleotide variant.
Coding change: c.1241G>A on transcript NM_004612.4 (MANE Select); coding-DNA position 1241, G replaced by A.
Protein change: p.Arg414Gln; replaces arginine 414 with glutamine.
Molecular consequence: missense variant. On other transcripts: non-coding transcript variant (1).
Genome position (GRCh38, 1-based): chr9:99,146,595, G>A. VCF-style: chr9-99146595-G-A. GRCh37 (hg19) VCF-style: chr9-101908877-G-A.
Other names: c.1010G>A, p.Arg337Gln (NM_001130916.3, NM_001407435.1); c.1253G>A, p.Arg418Gln (NM_001306210.2); c.1085G>A, p.Arg362Gln (NM_001407416.1); c.1073G>A, p.Arg358Gln (NM_001407417.1); c.1046G>A, p.Arg349Gln (NM_001407418.1, NM_001407419.1, NM_001407420.1 and 1 more transcripts); c.1034G>A, p.Arg345Gln (NM_001407423.1, NM_001407424.1, NM_001407425.1 and 8 more transcripts); c.995G>A, p.Arg332Gln (NM_001407436.1); c.533G>A, p.Arg178Gln (NM_001407437.1); and 1 more; short protein forms R178Q, R255Q, R332Q, R337Q, R345Q, R349Q, R358Q, R362Q.
Identifiers: ClinVar variation 3070987 (VCV003070987.1), dbSNP rs1469620887, ClinGen allele CA374233145.
Genomic context (GRCh38, chr9:99,146,595, plus strand): 5'-AATCCTTCAAACGTGCTGACATCTATGCAATGGGCTTAGTATTCTGGGAAATTGCTCGAC[G>A]ATGTTCCATTGGTGGTAAATTGCTCTCCTCTCCCCCAGTAGTTTGTCATGAGCAGAAGTT-3'
Protein context (NP_004603.1, residues 404-424): MGLVFWEIAR[Arg414Gln]CSIGGIHEDY

ClinVar aggregate classification (germline): Uncertain significance (1 of 4 stars; one submission).

Conditions:
Loeys-Dietz syndrome (LDS). Identifiers: Orphanet 60030, MedGen C2697932, MONDO:0018954.

Allele frequency attached by ClinVar (database versions not stated): gnomAD exomes below 0.00001.
gnomAD v4.1: 2 of 1,613,912 alleles (0.00012%); highest among the groups gnomAD compares: Non-Finnish European, 0.000085%; no homozygotes.

Submission:

All of Us Research Program, National Institutes of Health
Classification: Uncertain significance for Loeys-Dietz syndrome. Last evaluated: 2023-05-16. Review status: criteria provided, single submitter. Criteria: ACMG Guidelines, 2015. Collection method: clinical testing. Allele origin: germline. Inheritance: Autosomal dominant inheritance. Observed: 1 variant allele, 1 heterozygote.
Comment: This missense variant replaces arginine with glutamine at codon 414 of the TGFBR1 protein. Computational prediction suggests that this variant may have deleterious impact on protein structure and function (internally defined REVEL score threshold >= 0.7, PMID: 27666373). To our knowledge, functional studies have not been reported for this variant. This variant has not been reported in individuals affected with TGFBR1-related disorders in the literature. This variant has been identified in 1/251158 chromosomes in the general population by the Genome Aggregation Database (gnomAD). The available evidence is insufficient to determine the role of this variant in disease conclusively. Therefore, this variant is classified as a Variant of Uncertain Significance.

This study involves interpretation of variants in research participants for the purpose of population health screening. Participant phenotype was not available at the time of variant classification. Additional details can be found in publication PMID: 35346344, PMCID: PMC8962531